The following is an entry in ClinVar:

ClinVar aggregate classification (germline): Conflicting classifications of pathogenicity. Review status: criteria provided, conflicting classifications (1 of 4 stars). 9 submissions from 4 submitters: Likely pathogenic (1); Uncertain significance (8). Last evaluated 2025-09-21.

Conditions:
Weill-Marchesani syndrome. Also called: WM Syndrome; Mesodermal dysmorphodystrophy congenital. Identifiers: Orphanet 3449, MedGen C0265313, MONDO:0018096.
Acromicric dysplasia (ACMICD). Also called: Acromicric skeletal dysplasia. Identifiers: Orphanet 969, MedGen C0265287, MONDO:0007055, OMIM 102370.
Familial thoracic aortic aneurysm and aortic dissection (TAAD). Also called: Thoracic aortic aneurysms and dissections. Identifiers: Orphanet 91387, MedGen C4707243, MONDO:0019625.
Marfan syndrome (MFS). Also called: Marfan syndrome, classic; Marfan syndrome type 1; Marfan's syndrome; FBN1-Related Marfan Syndrome; MARFAN SYNDROME, TYPE I. Identifiers: Orphanet 284963, Orphanet 558, MedGen C0024796, MONDO:0007947, OMIM 154700.
Stiff skin syndrome (SSKS). Identifiers: Orphanet 2833, MedGen C1861456, MONDO:0008492, OMIM 184900.
Ectopia lentis 1, isolated, autosomal dominant (ECTOL1). Identifiers: Orphanet 1885, MedGen C3541518, MONDO:0007514, OMIM 129600.

Allele frequency attached by ClinVar (database versions not stated): TOPMed below 0.00001; gnomAD exomes 0.00001; gnomAD 0.00001.
gnomAD v4.1: 5 of 1,613,526 alleles (0.00031%); highest among the groups gnomAD compares: Non-Finnish European, 0.00042%; no homozygotes.

Submissions (9):

Labcorp Genetics (formerly Invitae), Labcorp
Classification: Likely pathogenic for Marfan syndrome; Familial thoracic aortic aneurysm and aortic dissection. Last evaluated: 2025-09-21. Review status: criteria provided, single submitter. Criteria: Invitae Variant Classification Sherloc (09022015). Collection method: clinical testing. Allele origin: germline.
Comment: This sequence change replaces aspartic acid, which is acidic and polar, with glutamic acid, which is acidic and polar, at codon 1768 of the FBN1 protein (p.Asp1768Glu). This variant is not present in population databases (gnomAD no frequency). This missense change has been observed in individuals with clinical features of FBN1-related conditions (internal data). ClinVar contains an entry for this variant (Variation ID: 885815). Invitae Evidence Modeling of protein sequence and biophysical properties (such as structural, functional, and spatial information, amino acid conservation, physicochemical variation, residue mobility, and thermodynamic stability) indicates that this missense variant is expected to disrupt FBN1 protein function with a positive predictive value of 95%. In summary, the currently available evidence indicates that the variant is pathogenic, but additional data are needed to prove that conclusively. Therefore, this variant has been classified as Likely Pathogenic.

GeneDx
Classification: Uncertain significance. Last evaluated: 2023-12-29. Review status: criteria provided, single submitter. Criteria: GeneDx Variant Classification Process June 2021. Collection method: clinical testing. Allele origin: germline. Affected: yes.
Comment: Has not been previously published as pathogenic or benign to our knowledge; Not observed at significant frequency in large population cohorts (gnomAD); In silico analysis supports that this missense variant has a deleterious effect on protein structure/function; This variant is associated with the following publications: (PMID: 20591885)

All of Us Research Program, National Institutes of Health
Classification: Uncertain significance for Marfan syndrome. Last evaluated: 2023-02-10. Review status: criteria provided, single submitter. Criteria: ACMG Guidelines, 2015. Collection method: clinical testing. Allele origin: germline. Inheritance: Autosomal dominant inheritance. Observed: 1 variant allele, 1 heterozygote.
Comment: This study involves interpretation of variants in research participants for the purpose of population health screening. Participant phenotype was not available at the time of variant classification. Additional details can be found in publication PMID: 35346344, PMCID: PMC8962531

Illumina Laboratory Services, Illumina
Classification: Uncertain significance for Acromicric dysplasia. Last evaluated: 2018-01-13. Review status: criteria provided, single submitter. Criteria: ICSL Variant Classification Criteria 13 December 2019. Collection method: clinical testing. Allele origin: germline.

Illumina Laboratory Services, Illumina
Classification: Uncertain significance for Ectopia lentis 1, isolated, autosomal dominant. Last evaluated: 2018-01-13. Review status: criteria provided, single submitter. Criteria: ICSL Variant Classification Criteria 13 December 2019. Collection method: clinical testing. Allele origin: germline.

Illumina Laboratory Services, Illumina
Classification: Uncertain significance for Weill-Marchesani syndrome. Last evaluated: 2018-01-13. Review status: criteria provided, single submitter. Criteria: ICSL Variant Classification Criteria 13 December 2019. Collection method: clinical testing. Allele origin: germline.

Illumina Laboratory Services, Illumina
Classification: Uncertain significance for Familial thoracic aortic aneurysm and aortic dissection. Last evaluated: 2018-01-13. Review status: criteria provided, single submitter. Criteria: ICSL Variant Classification Criteria 13 December 2019. Collection method: clinical testing. Allele origin: germline.

Illumina Laboratory Services, Illumina
Classification: Uncertain significance for Stiff skin syndrome. Last evaluated: 2018-01-13. Review status: criteria provided, single submitter. Criteria: ICSL Variant Classification Criteria 13 December 2019. Collection method: clinical testing. Allele origin: germline.

Illumina Laboratory Services, Illumina
Classification: Uncertain significance for Marfan syndrome. Last evaluated: 2018-01-13. Review status: criteria provided, single submitter. Criteria: ICSL Variant Classification Criteria 13 December 2019. Collection method: clinical testing. Allele origin: germline.

NM_000138.5(FBN1):c.5304T>A (p.Asp1768Glu)

Gene: FBN1 (fibrillin 1; minus strand). Cytogenetic location: 15q21.1.
Variant type: single nucleotide variant.
Coding change: c.5304T>A on transcript NM_000138.5 (MANE Select); coding-DNA position 5304, T replaced by A.
Protein change: p.Asp1768Glu; replaces aspartic acid 1768 with glutamic acid.
Molecular consequence: missense variant.
Genome position (GRCh38, 1-based): chr15:48,456,755, A>T on the plus strand (T>A on the coding strand, the complement: FBN1 is on the minus strand). VCF-style: chr15-48456755-A-T. GRCh37 (hg19) VCF-style: chr15-48748952-A-T.
Other names: short protein forms D1768E.
Identifiers: ClinVar variation 885815 (VCV000885815.11), dbSNP rs867058901, ClinGen allele CA392346541.